The following is an entry in ClinVar:

NC_000023.10:g.(?_31241144)_(33229429_?)del

Gene: DMD (dystrophin; minus strand). Cytogenetic location: Xp21.2-21.1.
Variant type: Deletion.
Identifiers: ClinVar variation 2424875 (VCV002424875.5).

ClinVar aggregate classification (germline): Pathogenic (1 of 4 stars; one submission).

Conditions:
Duchenne muscular dystrophy (DMD). Also called: Duchenne Muscular Dystrophy (DMD); MUSCULAR DYSTROPHY, PSEUDOHYPERTROPHIC PROGRESSIVE, DUCHENNE TYPE. Identifiers: Orphanet 98896, MedGen C0013264, MONDO:0010679, OMIM 310200.

Submission:

Labcorp Genetics (formerly Invitae), Labcorp
Classification: Pathogenic for Duchenne muscular dystrophy. Last evaluated: 2022-09-19. Review status: criteria provided, single submitter. Criteria: Invitae Variant Classification Sherloc (09022015). Collection method: clinical testing. Allele origin: germline.
Comment: This variant has not been reported in the literature in individuals affected with DMD-related conditions. This variant is a gross deletion of the genomic region encompassing exon(s) 1-64 of the DMD gene, which includes the initiator codon. This deletion extends beyond the assayed region for this gene and therefore may encompass additional genes. It is expected to result in an absent or disrupted protein product. Loss-of-function variants in DMD are known to be pathogenic (PMID: 16770791, 25007885). For these reasons, this variant has been classified as Pathogenic.

Literature cited by the submitters: PubMed 16770791; PubMed 25007885.